The following is an entry in ClinVar:

NM_014639.4(SKIC3):c.1135-1G>T

Gene: SKIC3 (SKI3 subunit of superkiller complex; minus strand). Cytogenetic location: 5q15.
Variant type: single nucleotide variant.
Coding change: c.1135-1G>T on transcript NM_014639.4 (MANE Select); the canonical splice acceptor site of the intron before coding-DNA position 1135, G replaced by T.
Molecular consequence: splice acceptor variant.
Genome position (GRCh38, 1-based): chr5:95,525,674, C>A on the plus strand (G>T on the coding strand, the complement: SKIC3 is on the minus strand). VCF-style: chr5-95525674-C-A. GRCh37 (hg19) VCF-style: chr5-94861378-C-A.
Identifiers: ClinVar variation 2805577 (VCV002805577.3), dbSNP rs1747567072, ClinGen allele CA360464982.

ClinVar aggregate classification (germline): Likely pathogenic (1 of 4 stars; one submission).

Allele frequency attached by ClinVar (database versions not stated): gnomAD exomes 0.00001.
gnomAD v4.1: 3 of 1,613,760 alleles (0.00019%); highest among the groups gnomAD compares: East Asian, 0.0067%; no homozygotes.

Submission:

Labcorp Genetics (formerly Invitae), Labcorp
Classification: Likely pathogenic. Last evaluated: 2023-03-10. Review status: criteria provided, single submitter. Criteria: Invitae Variant Classification Sherloc (09022015). Collection method: clinical testing. Allele origin: germline.
Comment: In summary, the currently available evidence indicates that the variant is pathogenic, but additional data are needed to prove that conclusively. Therefore, this variant has been classified as Likely Pathogenic. Algorithms developed to predict the effect of sequence changes on RNA splicing suggest that this variant may disrupt the consensus splice site. This variant has not been reported in the literature in individuals affected with TTC37-related conditions. This variant is not present in population databases (gnomAD no frequency). This sequence change affects an acceptor splice site in intron 13 of the TTC37 gene. It is expected to disrupt RNA splicing. Variants that disrupt the donor or acceptor splice site typically lead to a loss of protein function (PMID: 16199547), and loss-of-function variants in TTC37 are known to be pathogenic (PMID: 20176027, 21120949).

Literature cited by the submitters: PubMed 16199547; PubMed 20176027; PubMed 21120949.